The following is an entry in ClinVar:

ClinVar aggregate classification (germline): Uncertain significance (1 of 4 stars; one submission).

Conditions:
Joubert syndrome 20 (JBTS20). Identifiers: Orphanet 475, MedGen C3554235, MONDO:0013994, OMIM 614970.
Meckel syndrome, type 11 (MKS11). Identifiers: Orphanet 564, MedGen C3809352, MONDO:0014164, OMIM 615397.

Allele frequency attached by ClinVar (database versions not stated): TOPMed 0.00001; ESP Exome Variant Server 0.00008.
gnomAD v4.1: 44 of 1,565,352 alleles (0.0028%); highest among the groups gnomAD compares: Non-Finnish European, 0.0037%; no homozygotes.

Submission:

Labcorp Genetics (formerly Invitae), Labcorp
Classification: Uncertain significance for Joubert syndrome 20; Meckel syndrome, type 11. Last evaluated: 2022-07-27. Review status: criteria provided, single submitter. Criteria: Invitae Variant Classification Sherloc (09022015). Collection method: clinical testing. Allele origin: germline.
Comment: This sequence change replaces glutamic acid, which is acidic and polar, with lysine, which is basic and polar, at codon 77 of the TMEM231 protein (p.Glu77Lys). This variant is not present in population databases (gnomAD no frequency). This variant has not been reported in the literature in individuals affected with TMEM231-related conditions. ClinVar contains an entry for this variant (Variation ID: 1435056). Algorithms developed to predict the effect of missense changes on protein structure and function are either unavailable or do not agree on the potential impact of this missense change (SIFT: "Tolerated"; PolyPhen-2: "Not Available"; Align-GVGD: "Class C0"). In summary, the available evidence is currently insufficient to determine the role of this variant in disease. Therefore, it has been classified as a Variant of Uncertain Significance.

NM_001077418.3(TMEM231):c.139+28G>A

Gene: TMEM231 (transmembrane protein 231; minus strand). Cytogenetic location: 16q23.1.
Variant type: single nucleotide variant.
Coding change: c.139+28G>A on transcript NM_001077418.3 (MANE Select); 28 bases into the intron after coding-DNA position 139, G replaced by A.
Molecular consequence: intron variant. On other transcripts: missense variant (1).
Genome position (GRCh38, 1-based): chr16:75,556,043, C>T on the plus strand (G>A on the coding strand, the complement: TMEM231 is on the minus strand). VCF-style: chr16-75556043-C-T. GRCh37 (hg19) VCF-style: chr16-75589941-C-T.
Other names: c.229G>A, p.Glu77Lys (NM_001077416.2); short protein forms E77K.
Identifiers: ClinVar variation 1435056 (VCV001435056.5), dbSNP rs370005084, ClinGen allele CA283890970.